The following is an entry in ClinVar:

NM_001386298.1(CIC):c.4271dup (p.Gly1425fs)

Gene: CIC (capicua transcriptional repressor; plus strand). Cytogenetic location: 19q13.2.
Variant type: Duplication.
Coding change: c.4271dup on transcript NM_001386298.1 (MANE Select); coding-DNA position 4271, one base duplicated (C; older notation c.4271dupC).
Protein change: p.Gly1425fs; shifts the reading frame from glycine 1425.
Molecular consequence: frameshift variant.
Genome position (GRCh38, 1-based): chr19:42,290,312, C duplicated; the last of 5 consecutive C bases (chr19:42,290,308-42,290,312); duplicating any one gives the same sequence. VCF-style (leftmost placement, unchanged base first): chr19-42290307-G-GC. GRCh37 (hg19) VCF-style: chr19-42794459-G-GC.
Other names: c.4271dup, p.Gly1425fs (NM_001304815.2, NM_001379480.1, NM_001379482.1 and 6 more transcripts); c.1544dup, p.Gly516fs (NM_001379484.1, NM_001379485.1, NM_001439189.1 and 3 more transcripts); short protein forms G1425fs, G516fs.
Identifiers: ClinVar variation 4880214 (VCV004880214.1).

ClinVar aggregate classification (germline): Pathogenic (1 of 4 stars; one submission).

Conditions:
Intellectual developmental disorder, autosomal dominant 45. Also called: MENTAL RETARDATION, AUTOSOMAL DOMINANT 45; Intellectual disability, autosomal dominant 45. Identifiers: MedGen C4539848, MONDO:0030910, OMIM 617600.

Submission:

Wales Gene Park, Division Of Cancer and Genetics, Cardiff University
Classification: Pathogenic for Intellectual developmental disorder, autosomal dominant 45. Last evaluated: 2026-04-28. Review status: criteria provided, single submitter. Criteria: ACGS Best Practice Guidelines for Variant Classification in Rare Disease 2024. Collection method: research. Allele origin: paternal. Inheritance: Autosomal dominant inheritance. Affected: yes. Study: 100,000 Genomes Project (Wales).
Comment: Inherited CIC frameshift variant detected by trio genome sequencing. Not present in gnomAD (v4.1.1). Evidence codes: PVS1, PM2.